The following is an entry in ClinVar:

ClinVar aggregate classification (germline): Likely benign. Review status: criteria provided, multiple submitters, no conflicts (2 of 4 stars). 2 submissions from 2 submitters: Likely benign (2). Last evaluated 2024-11-17.

Conditions:
CEP290-related disorder. Also called: CEP290-related condition; CEP290-related disorders. Identifiers: MedGen CN239314.
Meckel-Gruber syndrome. Also called: DYSENCEPHALIA SPLANCHNOCYSTICA; Dysencephalia splachnocystica; GRUBER SYNDROME. Identifiers: Orphanet 564, MedGen C0265215, MONDO:0018921.
Joubert syndrome. Also called: Familial aplasia of the vermis; JOUBERT-BOLTSHAUSER SYNDROME. Identifiers: Orphanet 475, MedGen C5979921, MONDO:0018772.
Nephronophthisis. Also called: Juvenile Nephronophthisis. Identifiers: Orphanet 655, MedGen C0687120, MONDO:0019005, HP:0000090.

Allele frequency attached by ClinVar (database versions not stated): gnomAD 0.00001.

Submissions (2):

PreventionGenetics, part of Exact Sciences
Classification: Likely benign for CEP290-related condition. Last evaluated: 2024-11-17. Review status: criteria provided, single submitter. Criteria: ACMG Guidelines, 2015. Collection method: clinical testing. Allele origin: germline.
Comment: This variant is classified as likely benign based on ACMG/AMP sequence variant interpretation guidelines (Richards et al. 2015 PMID: 25741868, with internal and published modifications).

Labcorp Genetics (formerly Invitae), Labcorp
Classification: Likely benign for Joubert syndrome; Meckel-Gruber syndrome; Nephronophthisis. Last evaluated: 2021-04-05. Review status: criteria provided, single submitter. Criteria: Invitae Variant Classification Sherloc (09022015). Collection method: clinical testing. Allele origin: germline.

NM_025114.4(CEP290):c.180+9G>A

Gene: CEP290 (centrosomal protein 290; minus strand). Cytogenetic location: 12q21.32.
Variant type: single nucleotide variant.
Coding change: c.180+9G>A on transcript NM_025114.4 (MANE Select); 9 bases into the intron after coding-DNA position 180, G replaced by A.
Molecular consequence: intron variant.
Genome position (GRCh38, 1-based): chr12:88,140,947, C>T on the plus strand (G>A on the coding strand, the complement: CEP290 is on the minus strand). VCF-style: chr12-88140947-C-T. GRCh37 (hg19) VCF-style: chr12-88534724-C-T.
Other names: c.180+9G>A (NM_025114.3).
Identifiers: ClinVar variation 1107467 (VCV001107467.12), dbSNP rs2040617810, ClinGen allele CA950221784.
Genomic context (GRCh38, chr12:88,140,947, plus strand): 5'-TATATAAGAACAGATTTTTATAGTTCCACTAATAGCCAAACCTATAGTTAAAACCTACTA[C>T]ATACAAACCTTCATTAGTGACTGAGTAATTCTGAAAAGGTGTATCACATTTTCTTGCTTT-3'